The following is an entry in ClinVar:

NM_153460.4(IL17RC):c.1574G>C (p.Gly525Ala)

Gene: IL17RC (interleukin 17 receptor C; plus strand). Cytogenetic location: 3p25.3.
Variant type: single nucleotide variant.
Coding change: c.1574G>C on transcript NM_153460.4 (MANE Select); coding-DNA position 1574, G replaced by C.
Protein change: p.Gly525Ala; replaces glycine 525 with alanine.
Molecular consequence: missense variant. On other transcripts: non-coding transcript variant (1).
Genome position (GRCh38, 1-based): chr3:9,933,004, G>C. VCF-style: chr3-9933004-G-C. GRCh37 (hg19) VCF-style: chr3-9974688-G-C.
Other names: c.1535G>C, p.Gly512Ala (NM_001203263.2); c.1484G>C, p.Gly495Ala (NM_001203264.2); c.1478G>C, p.Gly493Ala (NM_001203265.2); c.1496G>C, p.Gly499Ala (NM_001367278.1); c.1415G>C, p.Gly472Ala (NM_001367279.1); c.1490G>C, p.Gly497Ala (NM_001367280.1); c.1439G>C, p.Gly480Ala (NM_001410711.1); c.1529G>C, p.Gly510Ala (NM_032732.6); and 1 more; short protein forms G472A, G495A, G499A, G480A, G493A, G497A, G510A, G512A.
Identifiers: ClinVar variation 4750838 (VCV004750838.1).
Genomic context (GRCh38, chr3:9,933,004, plus strand): 5'-CTCCGGCAGCGGCCGCCAGGGGCCGCGCGGCTCTGCTCCTCTACTCAGCCGATGACTCGG[G>C]TTTCGAGCGCCTGGTGGGCGCCCTGGCGTCGGCCCTGTGCCAGCTGCCGCTGCGCGTGGC-3'
Protein context (NP_703190.2, residues 515-535): ALLLYSADDS[Gly525Ala]FERLVGALAS

ClinVar aggregate classification (germline): Uncertain significance (1 of 4 stars; one submission).

Conditions:
Candidiasis, familial, 9 (CANDF9). Identifiers: Orphanet 1334, MedGen C4225324, MONDO:0014642, OMIM 616445.

Submission:

Labcorp Genetics (formerly Invitae), Labcorp
Classification: Uncertain significance for Candidiasis, familial, 9. Last evaluated: 2025-12-10. Review status: criteria provided, single submitter. Criteria: Invitae Variant Classification Sherloc (09022015). Collection method: clinical testing. Allele origin: germline.
Comment: This sequence change replaces glycine, which is neutral and non-polar, with alanine, which is neutral and non-polar, at codon 596 of the IL17RC protein (p.Gly596Ala). This variant is not present in population databases (gnomAD no frequency). This variant has not been reported in the literature in individuals affected with IL17RC-related conditions. An algorithm developed to predict the effect of missense changes on protein structure and function outputs the following: PolyPhen-2: "Benign". The alanine amino acid residue is found in multiple mammalian species, which suggests that this missense change does not adversely affect protein function. In summary, the available evidence is currently insufficient to determine the role of this variant in disease. Therefore, it has been classified as a Variant of Uncertain Significance.